The following is an entry in ClinVar:

NM_001374736.1(DST):c.14675A>G (p.Gln4892Arg)

Gene: DST (dystonin; minus strand). Cytogenetic location: 6p12.1.
Variant type: single nucleotide variant.
Coding change: c.14675A>G on transcript NM_001374736.1 (MANE Select); coding-DNA position 14675, A replaced by G.
Protein change: p.Gln4892Arg; replaces glutamine 4892 with arginine.
Molecular consequence: missense variant.
Genome position (GRCh38, 1-based): chr6:56,555,806, T>C on the plus strand (A>G on the coding strand, the complement: DST is on the minus strand). VCF-style: chr6-56555806-T-C. GRCh37 (hg19) VCF-style: chr6-56420604-T-C.
Other names: c.8318A>G, p.Gln2773Arg (NM_001144769.5); c.7904A>G, p.Gln2635Arg (NM_001144770.2); c.14675A>G, p.Gln4892Arg (NM_001374722.1); c.14042A>G, p.Gln4681Arg (NM_001374729.1); c.7784A>G, p.Gln2595Arg (NM_001374730.1, NM_001386100.1, NM_183380.4); c.14702A>G, p.Gln4901Arg (NM_001374734.1); c.6806A>G, p.Gln2269Arg (NM_015548.5); short protein forms Q2269R, Q2595R, Q4892R, Q2635R, Q2773R, Q4681R, Q4901R.
Identifiers: ClinVar variation 1486922 (VCV001486922.4), dbSNP rs1309519871, ClinGen allele CA364519916.
Genomic context (GRCh38, chr6:56,555,806, plus strand): 5'-GAAGGGTCTTCTCCAGGCCTGCTCAGAATGCCCTGACCAGCTGCTGTCAGCTGTTCATAT[T>C]GAGGTTTCCGAGTGGCGAATTCTTGCAGCAAAATCTAAGGTAACAAGGGTAAACAAACGC-3'
Protein context (NP_001361665.1, residues 4882-4902): LLQEFATRKP[Gln4892Arg]YEQLTAAGQG

ClinVar aggregate classification (germline): Uncertain significance (1 of 4 stars; one submission).

Conditions:
Hereditary sensory and autonomic neuropathy type 6. Also called: HSAN VI; Neuropathy, hereditary sensory and autonomic, type VI. Identifiers: Orphanet 314381, MedGen C3539003, MONDO:0013839, OMIM 614653.
Epidermolysis bullosa simplex 3, localized or generalized intermediate, with BP230 deficiency (EBS3). Also called: Epidermolysis bullosa simplex, autosomal recessive 2; Epidermolysis bullosa simplex due to BP230 deficiency. Identifiers: Orphanet 412181, MedGen C3809470, MONDO:0014180, OMIM 615425.

Allele frequency attached by ClinVar (database versions not stated): gnomAD 0.00001; gnomAD exomes 0.00001; TOPMed 0.00001.
gnomAD v4.1: 15 of 1,524,610 alleles (0.00098%); highest among the groups gnomAD compares: Non-Finnish European, 0.0013%; no homozygotes.

Submission:

Labcorp Genetics (formerly Invitae), Labcorp
Classification: Uncertain significance for Epidermolysis bullosa simplex 3, localized or generalized intermediate, with BP230 deficiency; Hereditary sensory and autonomic neuropathy type 6. Last evaluated: 2021-12-11. Review status: criteria provided, single submitter. Criteria: Invitae Variant Classification Sherloc (09022015). Collection method: clinical testing. Allele origin: germline.
Comment: Experimental studies and prediction algorithms are not available or were not evaluated, and the functional significance of this variant is currently unknown. The DST gene has multiple clinically relevant transcripts. This variant occurs in alternate transcript NM_015548.4, and corresponds to NM_001723.5:c.*59711A>G in the primary transcript. This sequence change replaces glutamine, which is neutral and polar, with arginine, which is basic and polar, at codon 2269 of the DST protein (p.Gln2269Arg). This variant is not present in population databases (gnomAD no frequency). This variant has not been reported in the literature in individuals affected with DST-related conditions. In summary, the available evidence is currently insufficient to determine the role of this variant in disease. Therefore, it has been classified as a Variant of Uncertain Significance.